The following is an entry in ClinVar:

NM_033022.4(RPS24):c.359C>T (p.Thr120Ile)

Gene: RPS24 (ribosomal protein S24; plus strand). Cytogenetic location: 10q22.3.
Variant type: single nucleotide variant.
Coding change: c.359C>T on transcript NM_033022.4 (MANE Select); coding-DNA position 359, C replaced by T.
Protein change: p.Thr120Ile; replaces threonine 120 with isoleucine.
Molecular consequence: missense variant.
Genome position (GRCh38, 1-based): chr10:78,037,273, C>T. VCF-style: chr10-78037273-C-T. GRCh37 (hg19) VCF-style: chr10-79797031-C-T.
Other names: c.359C>T, p.Thr120Ile (NM_001142284.2, NM_001142285.2, NM_001026.5 and 2 more transcripts); short protein forms T120I.
Identifiers: ClinVar variation 4739154 (VCV004739154.1).

ClinVar aggregate classification (germline): Uncertain significance (1 of 4 stars; one submission).

Conditions:
Diamond-Blackfan anemia. Also called: Blackfan Diamond syndrome; Aregenerative anemia chronic congenital; Red cell aplasia, pure hereditary; Congenital hypoplastic anemia; Aase syndrome. Identifiers: Orphanet 124, MedGen C1260899, MeSH D029503, MONDO:0015253, HP:0004810.

gnomAD v4.1: 1 of 1,606,418 alleles (0.000062%); highest among the groups gnomAD compares: African/African-American, 0.0013%; no homozygotes.

Submission:

Labcorp Genetics (formerly Invitae), Labcorp
Classification: Uncertain significance for Diamond-Blackfan anemia. Last evaluated: 2025-09-13. Review status: criteria provided, single submitter. Criteria: Invitae Variant Classification Sherloc (09022015). Collection method: clinical testing. Allele origin: germline.
Comment: This sequence change replaces threonine, which is neutral and polar, with isoleucine, which is neutral and non-polar, at codon 120 of the RPS24 protein (p.Thr120Ile). This variant is not present in population databases (gnomAD no frequency). This variant has not been reported in the literature in individuals affected with RPS24-related conditions. An algorithm developed to predict the effect of missense changes on protein structure and function (PolyPhen-2) suggests that this variant is likely to be tolerated. In summary, the available evidence is currently insufficient to determine the role of this variant in disease. Therefore, it has been classified as a Variant of Uncertain Significance.